The following is an entry in ClinVar:

ClinVar aggregate classification (germline): Benign/Likely benign. Review status: criteria provided, multiple submitters, no conflicts (2 of 4 stars). 4 submissions from 4 submitters: Benign (2); Likely benign (2). Last evaluated 2026-01-28.

Conditions:
Deficiency of iodide peroxidase (TDH2A). Also called: HYPOTHYROIDISM, CONGENITAL, DUE TO DYSHORMONOGENESIS, 2A; IODIDE PEROXIDASE DEFICIENCY; THYROID HORMONOGENESIS, GENETIC DEFECT IN, 2A; THYROID PEROXIDASE DEFICIENCY; Thyroid dyshormonogenesis 2A. Identifiers: Orphanet 95716, MedGen C1291299, MONDO:0010133, OMIM 274500.

Allele frequency attached by ClinVar (database versions not stated): gnomAD exomes 0.00176 and 0.00422; ExAC 0.00510; gnomAD 0.01533 and 0.01634; ESP Exome Variant Server 0.01654; TOPMed 0.01725; 1000 Genomes Project 0.01917; 1000 Genomes Project 30x 0.02046.
gnomAD v4.1: 5,034 of 1,613,332 alleles (0.31%); highest among the groups gnomAD compares: African/African-American, 5.5%; 111 homozygotes.

Submissions (4):

Labcorp Genetics (formerly Invitae), Labcorp
Classification: Benign. Last evaluated: 2026-01-28. Review status: criteria provided, single submitter. Criteria: Invitae Variant Classification Sherloc (09022015). Collection method: clinical testing. Allele origin: germline.

Dubai Health Genomic Medicine Center, Dubai Health
Classification: Benign for Deficiency of iodide peroxidase. Last evaluated: 2021-02-03. Review status: criteria provided, single submitter. Criteria: ACMG Guidelines, 2015. Collection method: clinical testing. Allele origin: germline. Affected: yes.

Illumina Laboratory Services, Illumina
Classification: Likely benign for Deficiency of iodide peroxidase. Last evaluated: 2017-04-28. Review status: criteria provided, single submitter. Criteria: ICSL Variant Classification Criteria 13 December 2019. Collection method: clinical testing. Allele origin: germline.
Comment: This variant was observed as part of a predisposition screen in an ostensibly healthy population. A literature search was performed for the gene, cDNA change, and amino acid change (where applicable). No publications were found based on this search. Allele frequency data from public databases allowed determination this variant is unlikely to cause disease. Therefore, this variant is classified as likely benign.

Breakthrough Genomics
Classification: Likely benign. Review status: criteria provided, single submitter. Criteria: ACMG Guidelines, 2015. Collection method: not provided. Allele origin: germline. Inheritance: Autosomal recessive inheritance. Affected: yes.

NM_001206744.2(TPO):c.1587A>C (p.Leu529Phe)

Gene: TPO (thyroid peroxidase; plus strand). Cytogenetic location: 2p25.3.
Variant type: single nucleotide variant.
Coding change: c.1587A>C on transcript NM_001206744.2 (MANE Select); coding-DNA position 1587, A replaced by C.
Protein change: p.Leu529Phe; replaces leucine 529 with phenylalanine.
Molecular consequence: missense variant.
Genome position (GRCh38, 1-based): chr2:1,484,844, A>C. VCF-style: chr2-1484844-A-C. GRCh37 (hg19) VCF-style: chr2-1488616-A-C.
Other names: c.1587A>C, p.Leu529Phe (NM_000547.6, NM_001206745.2, NM_175719.4 and 1 more transcripts); c.1068A>C, p.Leu356Phe (NM_175722.3); short protein forms L529F, L356F.
Identifiers: ClinVar variation 769561 (VCV000769561.15), dbSNP rs114796303, ClinGen allele CA1511759.